The following is an entry in ClinVar:

NM_001256317.3(TMPRSS3):c.753G>C (p.Trp251Cys)

Gene: TMPRSS3 (transmembrane serine protease 3; minus strand). Cytogenetic location: 21q22.3.
Variant type: single nucleotide variant.
Coding change: c.753G>C on transcript NM_001256317.3 (MANE Select); coding-DNA position 753, G replaced by C.
Protein change: p.Trp251Cys; replaces tryptophan 251 with cysteine.
Molecular consequence: missense variant.
Genome position (GRCh38, 1-based): chr21:42,383,062, C>G on the plus strand (G>C on the coding strand, the complement: TMPRSS3 is on the minus strand). VCF-style: chr21-42383062-C-G. GRCh37 (hg19) VCF-style: chr21-43803171-C-G.
Other names: c.753G>C, p.Trp251Cys (NM_024022.4, NM_032405.2); c.372G>C, p.Trp124Cys (NM_032404.3); short protein forms W251C, W124C.
Identifiers: ClinVar variation 4944 (VCV000004944.45), dbSNP rs137852999, ClinGen allele CA253351.

ClinVar aggregate classification (germline): Pathogenic. Review status: criteria provided, multiple submitters, no conflicts (2 of 4 stars). 3 submissions from 3 submitters: Pathogenic (2). 1 of the submissions does not count toward it. Last evaluated 2023-10-01.

Conditions:
Autosomal recessive nonsyndromic hearing loss 8 (DFNB8). Also called: NEUROSENSORY NONSYNDROMIC RECESSIVE DEAFNESS 8; Deafness, autosomal recessive 10. Identifiers: Orphanet 90636, MedGen C1832827, MONDO:0010987, OMIM 601072.
Hearing impairment. Also called: Impaired Hearing. Identifiers: MedGen C1384666, MONDO:0005365, HP:0000365.

gnomAD v4.1: 1 of 1,614,154 alleles (0.000062%); highest among the groups gnomAD compares: Non-Finnish European, 0.000085%; no homozygotes.

Submissions (3):

CeGaT Center for Human Genetics Tuebingen
Classification: Pathogenic. Last evaluated: 2023-10-01. Review status: criteria provided, single submitter. Criteria: CeGaT Center For Human Genetics Tuebingen Variant Classification Criteria Version 2. Collection method: clinical testing. Allele origin: germline. Affected: yes. Observed: 2 variant alleles.
Comment: TMPRSS3: PP1:Strong, PM1, PM2, PM3, PS3:Supporting

Department of Otolaryngology – Head & Neck Surgery, Cochlear Implant Center
Classification: Pathogenic for Hearing impairment. Last evaluated: 2021-04-12. Review status: criteria provided, single submitter. Criteria: ClinGen HL ACMG Specifications v1. Collection method: clinical testing. Allele origin: germline. Affected: yes.
Comment: PS1_Strong, PM2_Moderate, PM5_Moderate, PP3_Supporting

OMIM
Classification: Pathogenic for DEAFNESS, AUTOSOMAL RECESSIVE 8. Last evaluated: 2001-08-01. Review status: no assertion criteria provided. Collection method: literature only. Allele origin: germline. Not counted in ClinVar's aggregate classification.

Literature cited by the submitters: PubMed 11462234 (cited by OMIM).